The following is an entry in ClinVar:

NM_001854.4(COL11A1):c.651+14C>T

Gene: COL11A1 (collagen type XI alpha 1 chain; minus strand). Cytogenetic location: 1p21.1.
Variant type: single nucleotide variant.
Coding change: c.651+14C>T on transcript NM_001854.4 (MANE Select); 14 bases into the intron after coding-DNA position 651, C replaced by T.
Molecular consequence: intron variant.
Genome position (GRCh38, 1-based): chr1:103,074,604, G>A on the plus strand (C>T on the coding strand, the complement: COL11A1 is on the minus strand). VCF-style: chr1-103074604-G-A. GRCh37 (hg19) VCF-style: chr1-103540160-G-A.
Other names: c.651+14C>T (NM_001190709.2, NM_080629.3, NM_080630.4).
Identifiers: ClinVar variation 515280 (VCV000515280.1), dbSNP rs1553252290, ClinGen allele CA658795497.

ClinVar aggregate classification (germline): Likely benign (1 of 4 stars; one submission).

Submission:

GeneDx
Classification: Likely benign. Last evaluated: 2018-02-07. Review status: criteria provided, single submitter. Criteria: GeneDx Variant Classification (06012015). Collection method: clinical testing. Allele origin: germline. Affected: yes.
Comment: This variant is considered likely benign or benign based on one or more of the following criteria: it is a conservative change, it occurs at a poorly conserved position in the protein, it is predicted to be benign by multiple in silico algorithms, and/or has population frequency not consistent with disease.